The following is an entry in ClinVar:

NM_012452.3(TNFRSF13B):c.263G>A (p.Ser88Asn)

Gene: TNFRSF13B (TNF receptor superfamily member 13B; minus strand). Cytogenetic location: 17p11.2.
Variant type: single nucleotide variant.
Coding change: c.263G>A on transcript NM_012452.3 (MANE Select); coding-DNA position 263, G replaced by A.
Protein change: p.Ser88Asn; replaces serine 88 with asparagine.
Molecular consequence: missense variant.
Genome position (GRCh38, 1-based): chr17:16,948,920, C>T on the plus strand (G>A on the coding strand, the complement: TNFRSF13B is on the minus strand). VCF-style: chr17-16948920-C-T. GRCh37 (hg19) VCF-style: chr17-16852234-C-T.
Other names: short protein forms S88N.
Identifiers: ClinVar variation 1484752 (VCV001484752.8), dbSNP rs759002769, ClinGen allele CA288288106.

ClinVar aggregate classification (germline): Uncertain significance (1 of 4 stars; one submission).

Conditions:
Immunodeficiency, common variable, 2 (CVID2). Also called: HYPOGAMMAGLOBULINEMIA DUE TO TACI DEFICIENCY; ANTIBODY DEFICIENCY DUE TO TACI DEFECT. Identifiers: Orphanet 1572, MedGen C3150354, MONDO:0009413, OMIM 240500.

Submission:

Labcorp Genetics (formerly Invitae), Labcorp
Classification: Uncertain significance for Immunodeficiency, common variable, 2. Last evaluated: 2022-07-19. Review status: criteria provided, single submitter. Criteria: Invitae Variant Classification Sherloc (09022015). Collection method: clinical testing. Allele origin: germline.
Comment: This variant is not present in population databases (gnomAD no frequency). This sequence change replaces serine, which is neutral and polar, with asparagine, which is neutral and polar, at codon 88 of the TNFRSF13B protein (p.Ser88Asn). This variant has not been reported in the literature in individuals affected with TNFRSF13B-related conditions. ClinVar contains an entry for this variant (Variation ID: 1484752). Algorithms developed to predict the effect of missense changes on protein structure and function are either unavailable or do not agree on the potential impact of this missense change (SIFT: "Deleterious"; PolyPhen-2: "Probably Damaging"; Align-GVGD: "Class C0"). In summary, the available evidence is currently insufficient to determine the role of this variant in disease. Therefore, it has been classified as a Variant of Uncertain Significance.